The following is an entry in ClinVar:

NM_153704.6(TMEM67):c.506+9T>G

Gene: TMEM67 (transmembrane protein 67; plus strand). Cytogenetic location: 8q22.1.
Variant type: single nucleotide variant.
Coding change: c.506+9T>G on transcript NM_153704.6 (MANE Select); 9 bases into the intron after coding-DNA position 506, T replaced by G.
Molecular consequence: intron variant.
Genome position (GRCh38, 1-based): chr8:93,763,950, T>G. VCF-style: chr8-93763950-T-G. GRCh37 (hg19) VCF-style: chr8-94776178-T-G.
Other names: c.263+9T>G (NM_001142301.1); c.506+9T>G (NM_153704.5).
Identifiers: ClinVar variation 2924008 (VCV002924008.4), dbSNP rs1297987978, ClinGen allele CA857046512.

ClinVar aggregate classification (germline): Likely benign. Review status: criteria provided, multiple submitters, no conflicts (2 of 4 stars). 2 submissions from 2 submitters: Likely benign (2). Last evaluated 2026-01-19.

Conditions:
TMEM67-related disorder. Also called: TMEM67-related condition; TMEM67-related disorders. Identifiers: MedGen CN239423.
Meckel-Gruber syndrome. Also called: Dysencephalia splachnocystica; DYSENCEPHALIA SPLANCHNOCYSTICA; GRUBER SYNDROME. Identifiers: Orphanet 564, MedGen C0265215, MONDO:0018921.
Joubert syndrome. Also called: Familial aplasia of the vermis; JOUBERT-BOLTSHAUSER SYNDROME. Identifiers: Orphanet 475, MedGen C5979921, MONDO:0018772.

Allele frequency attached by ClinVar (database versions not stated): TOPMed below 0.00001; gnomAD 0.00001.
gnomAD v4.1: 1 of 1,534,390 alleles (0.000065%); highest among the groups gnomAD compares: East Asian, 0.0022%; no homozygotes.

Submissions (2):

Labcorp Genetics (formerly Invitae), Labcorp
Classification: Likely benign for Joubert syndrome; Meckel-Gruber syndrome. Last evaluated: 2026-01-19. Review status: criteria provided, single submitter. Criteria: Invitae Variant Classification Sherloc (09022015). Collection method: clinical testing. Allele origin: germline.

PreventionGenetics, part of Exact Sciences
Classification: Likely benign for TMEM67-related condition. Last evaluated: 2025-07-31. Review status: criteria provided, single submitter. Criteria: ACMG Guidelines, 2015. Collection method: clinical testing. Allele origin: germline.
Comment: This variant is classified as likely benign based on ACMG/AMP sequence variant interpretation guidelines (Richards et al. 2015 PMID: 25741868, with internal and published modifications).